The following is an entry in ClinVar:

NM_015046.7(SETX):c.5552G>A (p.Arg1851His)

Gene: SETX (senataxin; minus strand). Cytogenetic location: 9q34.13.
Variant type: single nucleotide variant.
Coding change: c.5552G>A on transcript NM_015046.7 (MANE Select); coding-DNA position 5552, G replaced by A.
Protein change: p.Arg1851His; replaces arginine 1851 with histidine.
Molecular consequence: missense variant.
Genome position (GRCh38, 1-based): chr9:132,298,309, C>T on the plus strand (G>A on the coding strand, the complement: SETX is on the minus strand). VCF-style: chr9-132298309-C-T. GRCh37 (hg19) VCF-style: chr9-135173696-C-T.
Other names: c.5552G>A, p.Arg1851His (NM_001351527.2, NM_001351528.2); short protein forms R1851H.
Identifiers: ClinVar variation 955918 (VCV000955918.19), dbSNP rs137978070, ClinGen allele CA200820231.

ClinVar aggregate classification (germline): Conflicting classifications of pathogenicity. Review status: criteria provided, conflicting classifications (1 of 4 stars). 8 submissions from 7 submitters: Uncertain significance (7); Benign (1). Last evaluated 2025-10-24.

Conditions:
Amyotrophic lateral sclerosis type 4 (ALS4). Also called: NEURONOPATHY, DISTAL HEREDITARY MOTOR, WITH PYRAMIDAL FEATURES; AMYOTROPHIC LATERAL SCLEROSIS 4, JUVENILE. Identifiers: Orphanet 357043, MedGen C1865409, MONDO:0011223, OMIM 602433.
Spinocerebellar ataxia, autosomal recessive, with axonal neuropathy 2 (SCAN2). Also called: Ataxia-ocular apraxia-2; ATAXIA-OCULOMOTOR APRAXIA 2; Ataxia with Oculomotor Apraxia; Ataxia with Oculomotor Apraxia Type 2. Identifiers: Orphanet 64753, MedGen C1853761, MONDO:0018996, OMIM 606002.
Inborn genetic diseases. Identifiers: MedGen C0950123, MeSH D030342.

Allele frequency attached by ClinVar (database versions not stated): gnomAD 0.00002; gnomAD exomes 0.00002; TOPMed 0.00002; ESP Exome Variant Server 0.00008.
gnomAD v4.1: 29 of 1,613,292 alleles (0.0018%); highest among the groups gnomAD compares: Non-Finnish European, 0.0024%; no homozygotes.

Submissions (8):

Ambry Genetics
Classification: Uncertain significance for Inborn genetic diseases. Last evaluated: 2025-10-24. Review status: criteria provided, single submitter. Criteria: Ambry Variant Classification Scheme 2023. Collection method: clinical testing. Allele origin: germline.

Labcorp Genetics (formerly Invitae), Labcorp
Classification: Benign for Amyotrophic lateral sclerosis type 4; Spinocerebellar ataxia, autosomal recessive, with axonal neuropathy 2. Last evaluated: 2025-10-09. Review status: criteria provided, single submitter. Criteria: Invitae Variant Classification Sherloc (09022015). Collection method: clinical testing. Allele origin: germline.

GeneDx
Classification: Uncertain significance. Last evaluated: 2023-12-14. Review status: criteria provided, single submitter. Criteria: GeneDx Variant Classification Process June 2021. Collection method: clinical testing. Allele origin: germline. Affected: yes.
Comment: Not observed at significant frequency in large population cohorts (gnomAD); In silico analysis supports that this missense variant does not alter protein structure/function; Has not been previously published as pathogenic or benign to our knowledge

Women's Health and Genetics/Laboratory Corporation of America, LabCorp
Classification: Uncertain significance. Last evaluated: 2023-11-08. Review status: criteria provided, single submitter. Criteria: LabCorp Variant Classification Summary - May 2015. Collection method: clinical testing. Allele origin: germline.
Comment: Variant summary: SETX c.5552G>A (p.Arg1851His) results in a non-conservative amino acid change in the encoded protein sequence. Three of five in-silico tools predict a benign effect of the variant on protein function. The variant allele was found at a frequency of 1.6e-05 in 251202 control chromosomes. The available data on variant occurrences in the general population are insufficient to allow any conclusion about variant significance. To our knowledge, no occurrence of c.5552G>A in individuals affected with Amyotrophic Lateral Sclerosis Type 4 or other SETX related diseases and no experimental evidence demonstrating its impact on protein function have been reported. Three submitters have cited clinical-significance assessments for this variant to ClinVar after 2014. All submitters classified the variant as uncertain significance. Based on the evidence outlined above, the variant was classified as uncertain significance.

Athena Diagnostics
Classification: Uncertain significance. Last evaluated: 2023-05-25. Review status: criteria provided, single submitter. Criteria: Athena Diagnostics Criteria. Collection method: clinical testing. Allele origin: unknown.
Comment: Available data are insufficient to determine the clinical significance of the variant at this time. The frequency of this variant in the general population is uninformative in assessment of its pathogenicity. Computational tools predict that this variant is not damaging.

Genome-Nilou Lab
Classification: Uncertain significance for Spinocerebellar ataxia, autosomal recessive, with axonal neuropathy 2. Last evaluated: 2023-02-08. Review status: criteria provided, single submitter. Criteria: ACMG Guidelines, 2015. Collection method: clinical testing. Allele origin: germline.

Genome-Nilou Lab
Classification: Uncertain significance for Amyotrophic lateral sclerosis type 4. Last evaluated: 2023-02-08. Review status: criteria provided, single submitter. Criteria: ACMG Guidelines, 2015. Collection method: clinical testing. Allele origin: germline.

Mayo Clinic Laboratories, Mayo Clinic
Classification: Uncertain significance. Last evaluated: 2019-04-07. Review status: criteria provided, single submitter. Criteria: ACMG Guidelines, 2015. Collection method: clinical testing. Allele origin: germline. Observed: 1 variant allele.